The following is an entry in ClinVar:

ClinVar aggregate classification (germline): Uncertain significance (1 of 4 stars; one submission).

Conditions:
SEMA3D-related disorder. Also called: SEMA3D-related condition.

gnomAD v4.1: 4 of 1,295,714 alleles (0.00031%); highest among the groups gnomAD compares: African/African-American, 0.0044%; no homozygotes.

Submission:

PreventionGenetics, part of Exact Sciences
Classification: Uncertain significance for SEMA3D-related condition. Last evaluated: 2026-04-29. Review status: criteria provided, single submitter. Criteria: ACMG Guidelines, 2015. Collection method: clinical testing. Allele origin: germline.
Comment: The SEMA3D c.977A>G variant is predicted to result in the amino acid substitution p.Gln326Arg. To our knowledge, this variant has not been reported in the literature. This variant is reported in 0.013% of alleles in individuals of African descent in gnomAD. At this time, the clinical significance of this variant is uncertain due to the absence of conclusive functional and genetic evidence.

NM_001384900.1(SEMA3D):c.977A>G (p.Gln326Arg)

Gene: SEMA3D (semaphorin 3D; minus strand). Cytogenetic location: 7q21.11.
Variant type: single nucleotide variant.
Coding change: c.977A>G on transcript NM_001384900.1 (MANE Select); coding-DNA position 977, A replaced by G.
Protein change: p.Gln326Arg; replaces glutamine 326 with arginine.
Molecular consequence: missense variant.
Genome position (GRCh38, 1-based): chr7:85,040,742, T>C on the plus strand (A>G on the coding strand, the complement: SEMA3D is on the minus strand). VCF-style: chr7-85040742-T-C. GRCh37 (hg19) VCF-style: chr7-84670058-T-C.
Other names: c.977A>G, p.Gln326Arg (NM_001384901.1, NM_001384902.1, NM_001384903.1 and 1 more transcripts); short protein forms Q326R.
Identifiers: ClinVar variation 4980735 (VCV004980735.1).
Genomic context (GRCh38, chr7:85,040,742, plus strand): 5'-GTAAAGACTCCATATACTACAGGATTTCTTTCATCTCTTGTGGGGAGTAAATAAATATCT[T>C]CTATTAAAGGGGAAAAATAAATATTTACTCTTATTTTTCAGTATTACATTGCTTTTTTGT-3'
Protein context (NP_001371829.1, residues 316-336): DGADTYFDEL[Gln326Arg]DIYLLPTRDE